The following is an entry in ClinVar:

NM_014362.4(HIBCH):c.469C>T (p.Arg157Ter)

Gene: HIBCH (3-hydroxyisobutyryl-CoA hydrolase; minus strand). Cytogenetic location: 2q32.2.
Variant type: single nucleotide variant.
Coding change: c.469C>T on transcript NM_014362.4 (MANE Select); coding-DNA position 469, C replaced by T.
Protein change: p.Arg157Ter; replaces arginine 157 with a stop codon.
Molecular consequence: nonsense.
Genome position (GRCh38, 1-based): chr2:190,261,204, G>A on the plus strand (C>T on the coding strand, the complement: HIBCH is on the minus strand). VCF-style: chr2-190261204-G-A. GRCh37 (hg19) VCF-style: chr2-191125930-G-A.
Other names: c.469C>T (NM_014362.3); c.469C>T, p.Arg157Ter (NM_198047.3); short protein forms R157*.
Identifiers: ClinVar variation 1938463 (VCV001938463.9), dbSNP rs148693438, ClinGen allele CA2027620.

ClinVar aggregate classification (germline): Pathogenic. Review status: criteria provided, multiple submitters, no conflicts (2 of 4 stars). 3 submissions from 3 submitters: Pathogenic (3). Last evaluated 2025-06-11.

Conditions:
3-hydroxyisobutyryl-CoA hydrolase deficiency. Also called: HIBCH DEFICIENCY; METHACRYLIC ACID TOXICITY; METHACRYLIC ACIDURIA; VALINE METABOLIC DEFECT; Reduced circulating 3-hydroxyisobutyryl-CoA hydrolase activity; Deficiency of 3-hydroxyisobutyryl CoA hydrolase. Identifiers: Orphanet 88639, MedGen C0342738, MONDO:0009603, OMIM 250620, HP:6000215.

Submissions (3):

GeneDx
Classification: Pathogenic. Last evaluated: 2025-06-11. Review status: criteria provided, single submitter. Criteria: GeneDx Variant Classification Process June 2021. Collection method: clinical testing. Allele origin: germline.
Comment: Nonsense variant predicted to result in protein truncation or nonsense mediated decay in a gene for which loss of function is a known mechanism of disease; This variant is associated with the following publications: (PMID: 36200804, 33762937, 35094435)

3billion
Classification: Pathogenic for 3-hydroxyisobutyryl-CoA hydrolase deficiency. Last evaluated: 2025-06-10. Review status: criteria provided, single submitter. Criteria: ACMG Guidelines, 2015. Collection method: clinical testing. Allele origin: germline. Affected: yes.
Comment: The variant is observed at an extremely low frequency in the gnomAD v4.1.0 dataset (total allele frequency: 0.002%). Predicted Consequence/Location: Stop-gained (nonsense): predicted to result in a loss or disruption of normal protein function through nonsense-mediated decay (NMD) or protein truncation. Multiple pathogenic variants are reported downstream of the variant. The variant has been reported at least twice as pathogenic without evidence for the classification (ClinVar ID: VCV001938463 /PMID: 33762937). Therefore, this variant is classified as Pathogenic according to the recommendation of ACMG/AMP guideline.

Labcorp Genetics (formerly Invitae), Labcorp
Classification: Pathogenic for 3-hydroxyisobutyryl-CoA hydrolase deficiency. Last evaluated: 2024-08-14. Review status: criteria provided, single submitter. Criteria: Invitae Variant Classification Sherloc (09022015). Collection method: clinical testing. Allele origin: germline.
Comment: This sequence change creates a premature translational stop signal (p.Arg157*) in the HIBCH gene. It is expected to result in an absent or disrupted protein product. Loss-of-function variants in HIBCH are known to be pathogenic (PMID: 17160907, 26163321). This variant is present in population databases (rs148693438, gnomAD 0.02%). This premature translational stop signal has been observed in individual(s) with 3-hydroxyisobutryl-CoA hydrolase deficiency (PMID: 33762937). ClinVar contains an entry for this variant (Variation ID: 1938463). For these reasons, this variant has been classified as Pathogenic.

Literature cited by the submitters: PubMed 33762937 (cited by 3billion and Labcorp Genetics (formerly Invitae), Labcorp); PubMed 17160907 (cited by Labcorp Genetics (formerly Invitae), Labcorp); PubMed 26163321 (cited by Labcorp Genetics (formerly Invitae), Labcorp).